The following is an entry in ClinVar:

ClinVar aggregate classification (germline): Likely benign. Review status: criteria provided, multiple submitters, no conflicts (2 of 4 stars). 3 submissions from 3 submitters: Likely benign (3). Last evaluated 2025-02-01.

Conditions:
ZNF469-related disorder. Also called: ZNF469-related condition.
Cardiovascular phenotype. Identifiers: MedGen CN230736.

Allele frequency attached by ClinVar (database versions not stated): gnomAD 0.00001; TOPMed 0.00002.
gnomAD v4.1: 12 of 1,549,982 alleles (0.00077%); highest among the groups gnomAD compares: Non-Finnish European, 0.001%; no homozygotes.

Submissions (3):

PreventionGenetics, part of Exact Sciences
Classification: Likely benign for ZNF469-related condition. Last evaluated: 2025-02-01. Review status: criteria provided, single submitter. Criteria: ACMG Guidelines, 2015. Collection method: clinical testing. Allele origin: germline.
Comment: This variant is classified as likely benign based on ACMG/AMP sequence variant interpretation guidelines (Richards et al. 2015 PMID: 25741868, with internal and published modifications).

Ambry Genetics
Classification: Likely benign for Cardiovascular phenotype. Last evaluated: 2024-07-30. Review status: criteria provided, single submitter. Criteria: Ambry Variant Classification Scheme 2023. Collection method: clinical testing. Allele origin: germline.

Labcorp Genetics (formerly Invitae), Labcorp
Classification: Likely benign. Last evaluated: 2024-02-22. Review status: criteria provided, single submitter. Criteria: Invitae Variant Classification Sherloc (09022015). Collection method: clinical testing. Allele origin: germline.

NM_001367624.2(ZNF469):c.1074T>C (p.Pro358=)

Gene: ZNF469 (zinc finger protein 469; plus strand). Cytogenetic location: 16q24.2.
Variant type: single nucleotide variant.
Coding change: c.1074T>C on transcript NM_001367624.2 (MANE Select); coding-DNA position 1074, T replaced by C.
Protein change: p.Pro358=; no amino-acid change (proline 358 retained).
Molecular consequence: synonymous variant.
Genome position (GRCh38, 1-based): chr16:88,428,544, T>C. VCF-style: chr16-88428544-T-C. GRCh37 (hg19) VCF-style: chr16-88494952-T-C.
Other names: NM_001127464.1:c.1074T>C; NM_001127464.2:c.1074T>C.
Identifiers: ClinVar variation 2890643 (VCV002890643.5), dbSNP rs1399057216, ClinGen allele CA497352926.
Genomic context (GRCh38, chr16:88,428,544, plus strand): 5'-CCAGGGCCAGCCAGGTGGCCTGAACCGCCACAGCGACCTCAGTGGTGCCCTCTCTTCCCC[T>C]GGAGCTGCTCACTCGGCCCCGAGACCCTTCTCTGACAGTTTACACAAGAGCCTGACCAAA-3'
Protein context (NP_001354553.1, residues 348-368): HSDLSGALSS[Pro358=]GAAHSAPRPF